The following is an entry in ClinVar:

NM_198253.3(TERT):c.628G>A (p.Ala210Thr)

Gene: TERT (telomerase reverse transcriptase; minus strand). Cytogenetic location: 5p15.33.
Variant type: single nucleotide variant.
Coding change: c.628G>A on transcript NM_198253.3 (MANE Select); coding-DNA position 628, G replaced by A.
Protein change: p.Ala210Thr; replaces alanine 210 with threonine.
Molecular consequence: missense variant. On other transcripts: non-coding transcript variant (2).
Genome position (GRCh38, 1-based): chr5:1,294,258, C>T on the plus strand (G>A on the coding strand, the complement: TERT is on the minus strand). VCF-style: chr5-1294258-C-T. GRCh37 (hg19) VCF-style: chr5-1294373-C-T.
Other names: c.628G>A, p.Ala210Thr (NM_001193376.3); short protein forms A210T.
Identifiers: ClinVar variation 1032592 (VCV001032592.12), dbSNP rs1751225599, ClinGen allele CA359057143.

ClinVar aggregate classification (germline): Uncertain significance. Review status: criteria provided, multiple submitters, no conflicts (2 of 4 stars). 4 submissions from 4 submitters: Uncertain significance (4). Last evaluated 2022-11-14.

Conditions:
Dyskeratosis congenita. Identifiers: Orphanet 1775, MedGen C0265965, MONDO:0015780.
Dyskeratosis congenita, autosomal dominant 2. Identifiers: MedGen C3151443, MONDO:0013521, OMIM 613989.
Idiopathic Pulmonary Fibrosis. Also called: Idiopathic fibrosing alveolitis, chronic form; idiopathic fibrosing alveolitis. Identifiers: Orphanet 2032, MedGen C1800706, MeSH D054990, MONDO:0800504.
TERT-related disorder. Also called: TERT-related condition; TERT-related disorders.

Submissions (4):

Labcorp Genetics (formerly Invitae), Labcorp
Classification: Uncertain significance for Dyskeratosis congenita, autosomal dominant 2; Idiopathic Pulmonary Fibrosis. Last evaluated: 2022-11-14. Review status: criteria provided, single submitter. Criteria: Invitae Variant Classification Sherloc (09022015). Collection method: clinical testing. Allele origin: germline.
Comment: This sequence change replaces alanine, which is neutral and non-polar, with threonine, which is neutral and polar, at codon 210 of the TERT protein (p.Ala210Thr). This variant is not present in population databases (gnomAD no frequency). This variant has not been reported in the literature in individuals affected with TERT-related conditions. ClinVar contains an entry for this variant (Variation ID: 1032592). Algorithms developed to predict the effect of missense changes on protein structure and function output the following: SIFT: "Tolerated"; PolyPhen-2: "Benign"; Align-GVGD: "Class C0". The threonine amino acid residue is found in multiple mammalian species, which suggests that this missense change does not adversely affect protein function. In summary, the available evidence is currently insufficient to determine the role of this variant in disease. Therefore, it has been classified as a Variant of Uncertain Significance.

PreventionGenetics, part of Exact Sciences
Classification: Uncertain significance for TERT-related condition. Last evaluated: 2022-11-11. Review status: criteria provided, single submitter. Criteria: ACMG Guidelines, 2015. Collection method: clinical testing. Allele origin: germline.
Comment: The TERT c.628G>A variant is predicted to result in the amino acid substitution p.Ala210Thr. To our knowledge, this variant has not been reported in the literature or in a large population database, indicating this variant is rare. At this time, the clinical significance of this variant is uncertain due to the absence of conclusive functional and genetic evidence.

Ambry Genetics
Classification: Uncertain significance for Dyskeratosis congenita. Last evaluated: 2022-01-28. Review status: criteria provided, single submitter. Criteria: Ambry Variant Classification Scheme 2023. Collection method: clinical testing. Allele origin: germline.
Comment: The p.A210T variant (also known as c.628G>A), located in coding exon 2 of the TERT gene, results from a G to A substitution at nucleotide position 628. The alanine at codon 210 is replaced by threonine, an amino acid with similar properties. This amino acid position is conserved. In addition, this alteration is predicted to be tolerated by in silico analysis. Since supporting evidence is limited at this time, the clinical significance of this alteration remains unclear.

Baylor Genetics
Classification: Uncertain significance for Dyskeratosis congenita, autosomal dominant 2. Last evaluated: 2018-04-09. Review status: criteria provided, single submitter. Criteria: ACMG Guidelines, 2015. Collection method: clinical testing. Allele origin: unknown. Affected: yes.
Comment: This variant was determined to be of uncertain significance according to ACMG Guidelines, 2015 [PMID:25741868].